The following is an entry in ClinVar:

ClinVar aggregate classification (germline): Likely benign (0 of 4 stars; one submission).

Conditions:
SMARCD2-related disorder. Also called: SMARCD2-related condition.

Submission:

PreventionGenetics, part of Exact Sciences
Classification: Likely benign for SMARCD2-related condition. Last evaluated: 2020-09-02. Review status: no assertion criteria provided. Collection method: clinical testing. Allele origin: germline.
Comment: This variant is classified as likely benign based on ACMG/AMP sequence variant interpretation guidelines (Richards et al. 2015 PMID: 25741868, with internal and published modifications).

NM_001098426.2(SMARCD2):c.1137G>T (p.Gly379=)

Gene: SMARCD2 (SWI/SNF related BAF chromatin remodeling complex subunit D2; minus strand). Cytogenetic location: 17q23.3.
Variant type: single nucleotide variant.
Coding change: c.1137G>T on transcript NM_001098426.2 (MANE Select); coding-DNA position 1137, G replaced by T.
Protein change: p.Gly379=; no amino-acid change (glycine 379 retained).
Molecular consequence: synonymous variant.
Genome position (GRCh38, 1-based): chr17:63,833,953, C>A on the plus strand (G>T on the coding strand, the complement: SMARCD2 is on the minus strand). VCF-style: chr17-63833953-C-A. GRCh37 (hg19) VCF-style: chr17-61911313-C-A.
Other names: c.912G>T, p.Gly304= (NM_001330439.1); c.993G>T, p.Gly331= (NM_001330440.2).
Identifiers: ClinVar variation 3031623 (VCV003031623.2), dbSNP rs2040230507, ClinGen allele CA501346171.
Genomic context (GRCh38, chr17:63,833,953, plus strand): 5'-CCCTCCTTGCATTTACCTAATGACATGGTTGATGACAATGGGGTCTGGATGCTGCAGCAA[C>A]CCTGCCAGCTTCATGGGAATCTCGGAGAAACGGAGTCGGCCACAACTGAAGATCTGGAGG-3'
Protein context (NP_001091896.1, residues 369-389): RFSEIPMKLA[Gly379=]LLQHPDPIVI